The following is an entry in ClinVar:

NM_004360.5(CDH1):c.325_326del (p.Lys109fs)

Gene: CDH1 (cadherin 1; plus strand). Cytogenetic location: 16q22.1.
Variant type: Deletion.
Coding change: c.325_326del on transcript NM_004360.5 (MANE Select); coding-DNA positions 325 to 326, 2 bases deleted (AA; older notation c.325_326delAA).
Protein change: p.Lys109fs; shifts the reading frame from lysine 109.
Molecular consequence: frameshift variant. On other transcripts: 5 prime UTR variant (2).
Genome position (GRCh38, 1-based): chr16:68,801,831-68,801,832, AA deleted; deleting any 2 consecutive bases within chr16:68,801,830-68,801,832 gives the same sequence; the c. name uses the placement nearest the transcript's 3' end. VCF-style (leftmost placement, unchanged base first): chr16-68801829-GAA-G. GRCh37 (hg19) VCF-style: chr16-68835732-GAA-G.
Other names: c.325_326delAA (NM_004360.3); c.325_326del, p.Lys109fs (NM_001317184.2); c.-1291_-1290del (NM_001317185.2); c.-1495_-1494del (NM_001317186.2); short protein forms K109fs.
Identifiers: ClinVar variation 850495 (VCV000850495.10), dbSNP rs1960519159, ClinGen allele CA916081820.

ClinVar aggregate classification (germline): Pathogenic. Review status: criteria provided, multiple submitters, no conflicts (2 of 4 stars). 2 submissions from 2 submitters: Pathogenic (2). Last evaluated 2025-08-13.

Conditions:
Hereditary diffuse gastric adenocarcinoma (HDGC). Also called: DIFFUSE GASTRIC AND LOBULAR BREAST CANCER SYNDROME. Identifiers: Orphanet 26106, MedGen C1708349, MONDO:0007648, OMIM 137215.
Hereditary cancer-predisposing syndrome. Also called: Neoplastic Syndromes, Hereditary; Hereditary Cancer Syndrome; Hereditary neoplastic syndrome; Tumor predisposition. Identifiers: Orphanet 140162, MedGen C0027672, MeSH D009386, MONDO:0015356.

Submissions (2):

Ambry Genetics
Classification: Pathogenic for Hereditary cancer-predisposing syndrome. Last evaluated: 2025-08-13. Review status: criteria provided, single submitter. Criteria: Ambry Variant Classification Scheme 2023. Collection method: clinical testing. Allele origin: germline.
Comment: The c.325_326delAA pathogenic mutation, located in coding exon 3 of the CDH1 gene, results from a deletion of two nucleotides at nucleotide positions 325 to 326, causing a translational frameshift with a predicted alternate stop codon (p.K109Vfs*58). This variant is considered to be rare based on population cohorts in the Genome Aggregation Database (gnomAD). This alteration is expected to result in loss of function by premature protein truncation or nonsense-mediated mRNA decay. As such, this alteration is interpreted as a disease-causing mutation.

Labcorp Genetics (formerly Invitae), Labcorp
Classification: Pathogenic for Hereditary diffuse gastric adenocarcinoma. Last evaluated: 2020-09-24. Review status: criteria provided, single submitter. Criteria: Invitae Variant Classification Sherloc (09022015). Collection method: clinical testing. Allele origin: germline.
Comment: This sequence change creates a premature translational stop signal (p.Lys109Valfs*58) in the CDH1 gene. It is expected to result in an absent or disrupted protein product. This variant is not present in population databases (ExAC no frequency). This variant has not been reported in the literature in individuals with CDH1-related conditions. Loss-of-function variants in CDH1 are known to be pathogenic (PMID: 15235021, 20373070). For these reasons, this variant has been classified as Pathogenic.

Literature cited by the submitters: PubMed 15235021 (cited by Labcorp Genetics (formerly Invitae), Labcorp); PubMed 20373070 (cited by Labcorp Genetics (formerly Invitae), Labcorp).